The following is an entry in ClinVar:

ClinVar aggregate classification (germline): Uncertain significance (1 of 4 stars; one submission).

Conditions:
Hereditary nonpolyposis colorectal neoplasms. Identifiers: MedGen C0009405, MeSH D003123.

gnomAD v4.1: 2 of 1,614,210 alleles (0.00012%); highest among the groups gnomAD compares: Non-Finnish European, 0.00017%; no homozygotes.

Submission:

Labcorp Genetics (formerly Invitae), Labcorp
Classification: Uncertain significance for Hereditary nonpolyposis colorectal neoplasms. Last evaluated: 2024-02-10. Review status: criteria provided, single submitter. Criteria: Invitae Variant Classification Sherloc (09022015). Collection method: clinical testing. Allele origin: germline.
Comment: This sequence change replaces glutamic acid, which is acidic and polar, with lysine, which is basic and polar, at codon 1120 of the MSH6 protein (p.Glu1120Lys). This variant is not present in population databases (gnomAD no frequency). This variant has not been reported in the literature in individuals affected with MSH6-related conditions. Advanced modeling of protein sequence and biophysical properties (such as structural, functional, and spatial information, amino acid conservation, physicochemical variation, residue mobility, and thermodynamic stability) performed at Invitae indicates that this missense variant is not expected to disrupt MSH6 protein function with a negative predictive value of 95%. In summary, the available evidence is currently insufficient to determine the role of this variant in disease. Therefore, it has been classified as a Variant of Uncertain Significance.

NM_000179.3(MSH6):c.3358G>A (p.Glu1120Lys)

Gene: MSH6 (mutS homolog 6; plus strand). Cytogenetic location: 2p16.3.
Variant type: single nucleotide variant.
Coding change: c.3358G>A on transcript NM_000179.3 (MANE Select); coding-DNA position 3358, G replaced by A.
Protein change: p.Glu1120Lys; replaces glutamic acid 1120 with lysine.
Molecular consequence: missense variant. On other transcripts: non-coding transcript variant (5).
Genome position (GRCh38, 1-based): chr2:47,803,605, G>A. VCF-style: chr2-47803605-G-A. GRCh37 (hg19) VCF-style: chr2-48030744-G-A.
Other names: c.3358G>A, p.Glu1120Lys (NM_001406800.1, NM_001406808.1, NM_001406809.1 and 1 more transcripts); c.3061G>A, p.Glu1021Lys (NM_001406801.1, NM_001406805.1, NM_001406818.1 and 10 more transcripts); c.3454G>A, p.Glu1152Lys (NM_001406802.1, NM_001406795.1); c.2494G>A, p.Glu832Lys (NM_001406803.1); c.3280G>A, p.Glu1094Lys (NM_001406804.1); c.2833G>A, p.Glu945Lys (NM_001406806.1, NM_001406807.1, NM_001406799.1); c.3364G>A, p.Glu1122Lys (NM_001406813.1); c.2452G>A, p.Glu818Lys (NM_001406815.1, NM_001406811.1, NM_001406812.1 and 6 more transcripts); and 7 more; short protein forms E1062K, E1064K, E1094K, E1122K, E69K, E1021K, E1120K, E1152K.
Identifiers: ClinVar variation 3708075 (VCV003708075.2).